The following is an entry in ClinVar:

NM_018179.5(ATF7IP):c.3002G>A (p.Arg1001Gln)

Gene: ATF7IP (activating transcription factor 7 interacting protein; plus strand). Cytogenetic location: 12p13.1.
Variant type: single nucleotide variant.
Coding change: c.3002G>A on transcript NM_018179.5 (MANE Select); coding-DNA position 3002, G replaced by A.
Protein change: p.Arg1001Gln; replaces arginine 1001 with glutamine.
Molecular consequence: missense variant. On other transcripts: non-coding transcript variant (1).
Genome position (GRCh38, 1-based): chr12:14,478,377, G>A. VCF-style: chr12-14478377-G-A. GRCh37 (hg19) VCF-style: chr12-14631311-G-A.
Other names: c.2999G>A, p.Arg1000Gln (NM_001286514.2, NM_001286515.2, NM_001388184.1); c.3023G>A, p.Arg1008Gln (NM_001388179.1); c.3002G>A, p.Arg1001Gln (NM_001388180.1, NM_001388181.1, NM_001388182.1 and 1 more transcripts); c.3026G>A, p.Arg1009Gln (NM_181352.2); short protein forms R1000Q, R1001Q, R1008Q, R1009Q.
Identifiers: ClinVar variation 4865271 (VCV004865271.1).

ClinVar aggregate classification (germline): Uncertain significance (1 of 4 stars; one submission).

gnomAD v4.1: 36 of 1,613,792 alleles (0.0022%); highest among the groups gnomAD compares: South Asian, 0.012%; no homozygotes.

Submission:

Ambry Genetics
Classification: Uncertain significance. Last evaluated: 2026-04-15. Review status: criteria provided, single submitter. Criteria: Ambry Variant Classification Scheme 2023. Collection method: clinical testing. Allele origin: germline.
Comment: The c.3002G>A (p.R1001Q) alteration is located in exon 12 (coding exon 11) of the ATF7IP gene. This alteration results from a G to A substitution at nucleotide position 3002, causing the arginine (R) at amino acid position 1001 to be replaced by a glutamine (Q). Based on data from gnomAD, the A allele has an overall frequency of 0.002% (6/251122) total alleles studied. The highest observed frequency was 0.013% (4/30616) of South Asian alleles. Based on insufficient or conflicting evidence, the clinical significance of this alteration remains unclear.